The following is an entry in ClinVar:

NM_015450.3(POT1):c.547G>T (p.Val183Leu)

Gene: POT1 (protection of telomeres 1; minus strand). Cytogenetic location: 7q31.33.
Variant type: single nucleotide variant.
Coding change: c.547G>T on transcript NM_015450.3 (MANE Select); coding-DNA position 547, G replaced by T.
Protein change: p.Val183Leu; replaces valine 183 with leucine.
Molecular consequence: missense variant. On other transcripts: non-coding transcript variant (3).
Genome position (GRCh38, 1-based): chr7:124,859,112, C>A on the plus strand (G>T on the coding strand, the complement: POT1 is on the minus strand). VCF-style: chr7-124859112-C-A. GRCh37 (hg19) VCF-style: chr7-124499166-C-A.
Other names: NC_000007.13:g.124499166C>A; c.154G>T, p.Val52Leu (NM_001042594.2); c.547G>T (NM_015450.2); short protein forms V52L, V183L.
Identifiers: ClinVar variation 4332973 (VCV004332973.2).
Genomic context (GRCh38, chr7:124,859,112, plus strand): 5'-GAACAAGGTCTTGTATTAAGACTCTCCAAGATGGAAATGGTGTCCTGGTGCCATCCCATA[C>A]CTGCCATAAGAGAGTAGAGTAGTTTTATGATCCTTTTGAAAAAATGCTTGTGCTAAAAAG-3'
Protein context (NP_056265.2, residues 173-193): EVDGASFLLK[Val183Leu]WDGTRTPFPS

ClinVar aggregate classification (germline): Uncertain significance (1 of 4 stars; one submission).

gnomAD v4.1: 1 of 1,582,586 alleles (0.000063%); highest among the groups gnomAD compares: Non-Finnish European, 0.000086%; no homozygotes.

Submissions (2):

Quest Diagnostics Nichols Institute San Juan Capistrano
Classification: Uncertain significance. Last evaluated: 2025-04-07. Review status: criteria provided, single submitter. Criteria: Quest Diagnostics criteria. Collection method: clinical testing. Allele origin: unknown.
Comment: The POT1 c.547G>T (p.Val183Leu) variant has not been reported in individuals with POT1-related conditions in the published literature. It also has not been reported in large, multi-ethnic general populations (Genome Aggregation Database). Analysis of this variant using software algorithms for the prediction of the effect of nucleotide changes on splicing yielded predictions that this variant may affect proper POT1 mRNA splicing. Based on the available information, we are unable to determine the clinical significance of this variant.

Dr. Peter K. Rogan Lab, Western University
No classification provided (evidence only). Condition: Glioma susceptibility 1. Review status: no classification provided. Collection method: in vitro. Allele origin: not applicable. Functional consequence: skipped exon, retained intron. Not counted in ClinVar's aggregate classification.